The following is an entry in ClinVar:

ClinVar aggregate classification (germline): Uncertain significance. Review status: criteria provided, multiple submitters, no conflicts (2 of 4 stars). 3 submissions from 3 submitters: Uncertain significance (3). Last evaluated 2025-07-09.

Conditions:
Familial thoracic aortic aneurysm and aortic dissection (TAAD). Also called: Thoracic aortic aneurysms and dissections. Identifiers: Orphanet 91387, MedGen C4707243, MONDO:0019625.
Aortic aneurysm, familial thoracic 4 (AAT4). Also called: AORTIC ANEURYSM/AORTIC DISSECTION AND PATENT DUCTUS ARTERIOSUS. Identifiers: MedGen C1851504, MONDO:0007568, OMIM 132900.

Submissions (3):

Color Diagnostics, LLC DBA Color Health
Classification: Uncertain significance for Familial thoracic aortic aneurysm and aortic dissection. Last evaluated: 2025-07-09. Review status: criteria provided, single submitter. Criteria: ACMG Guidelines, 2015. Collection method: clinical testing. Allele origin: germline.
Comment: This variant causes a C to A nucleotide substitution at the +4 position of intron 34 of the MYH11 gene. To our knowledge, functional studies have not been reported for this variant. This variant has not been reported in individuals affected with MYH11-related disorders in the literature. This variant has not been identified in the general population by the Genome Aggregation Database (gnomAD). The available evidence is insufficient to determine the role of this variant in disease conclusively. Therefore, this variant is classified as a Variant of Uncertain Significance.

Labcorp Genetics (formerly Invitae), Labcorp
Classification: Uncertain significance for Aortic aneurysm, familial thoracic 4. Last evaluated: 2024-05-19. Review status: criteria provided, single submitter. Criteria: Invitae Variant Classification Sherloc (09022015). Collection method: clinical testing. Allele origin: germline.
Comment: This sequence change falls in intron 34 of the MYH11 gene. It does not directly change the encoded amino acid sequence of the MYH11 protein. It affects a nucleotide within the consensus splice site. This variant is not present in population databases (gnomAD no frequency). This variant has not been reported in the literature in individuals affected with MYH11-related conditions. ClinVar contains an entry for this variant (Variation ID: 1331941). Variants that disrupt the consensus splice site are a relatively common cause of aberrant splicing (PMID: 17576681, 9536098). Algorithms developed to predict the effect of sequence changes on RNA splicing suggest that this variant is not likely to affect RNA splicing. In summary, the available evidence is currently insufficient to determine the role of this variant in disease. Therefore, it has been classified as a Variant of Uncertain Significance.

All of Us Research Program, National Institutes of Health
Classification: Uncertain significance for Familial thoracic aortic aneurysm and aortic dissection. Last evaluated: 2023-06-26. Review status: criteria provided, single submitter. Criteria: ACMG Guidelines, 2015. Collection method: clinical testing. Allele origin: germline. Inheritance: Autosomal dominant inheritance. Observed: 1 variant allele, 1 heterozygote.
Comment: This variant causes a C to A nucleotide substitution at the +4 position of intron 34 of the MYH11 gene. To our knowledge, functional studies have not been reported for this variant. This variant has not been reported in individuals affected with MYH11-related disorders in the literature. This variant has not been identified in the general population by the Genome Aggregation Database (gnomAD). The available evidence is insufficient to determine the role of this variant in disease conclusively. Therefore, this variant is classified as a Variant of Uncertain Significance.

This study involves interpretation of variants in research participants for the purpose of population health screening. Participant phenotype was not available at the time of variant classification. Additional details can be found in publication PMID: 35346344, PMCID: PMC8962531

Literature cited by the submitters: PubMed 17576681 (cited by Labcorp Genetics (formerly Invitae), Labcorp); PubMed 9536098 (cited by Labcorp Genetics (formerly Invitae), Labcorp).

NM_002474.3(MYH11):c.4791+4C>A

Genes: MYH11 (myosin heavy chain 11; minus strand), NDE1 (nudE neurodevelopment protein 1; plus strand). Cytogenetic location: 16p13.11.
Variant type: single nucleotide variant.
Coding change: c.4791+4C>A on transcript NM_002474.3 (MANE Select); 4 bases into the intron after coding-DNA position 4791, C replaced by A.
Molecular consequence: intron variant.
Genome position (GRCh38, 1-based): chr16:15,720,835, G>T on the plus strand (C>A on the coding strand, the complement: MYH11 is on the minus strand). VCF-style: chr16-15720835-G-T. GRCh37 (hg19) VCF-style: chr16-15814692-G-T.
Other names: c.948-3356G>T (NM_001143979.2, NM_017668.3); c.4791+4C>A (NM_022844.3); c.4812+4C>A (NM_001040114.2, NM_001040113.2).
Identifiers: ClinVar variation 1331941 (VCV001331941.10), dbSNP rs142108062, ClinGen allele CA278601588.